The following is an entry in ClinVar:

ClinVar aggregate classification (germline): Uncertain significance. Review status: criteria provided, multiple submitters, no conflicts (2 of 4 stars). 3 submissions from 3 submitters: Uncertain significance (3). Last evaluated 2023-02-15.

Conditions:
Cranioectodermal dysplasia 1 (CED1). Also called: LEVIN SYNDROME I. Identifiers: Orphanet 1515, MedGen C0432235, MONDO:0021093, OMIM 218330.

Allele frequency attached by ClinVar (database versions not stated): gnomAD 0.00001; gnomAD exomes 0.00001 and 0.00004; TOPMed 0.00001; ExAC 0.00003.
gnomAD v4.1: 63 of 1,613,948 alleles (0.0039%); highest among the groups gnomAD compares: South Asian, 0.0088%; no homozygotes.

Submissions (3):

GeneDx
Classification: Uncertain significance. Last evaluated: 2023-02-15. Review status: criteria provided, single submitter. Criteria: GeneDx Variant Classification Process June 2021. Collection method: clinical testing. Allele origin: germline. Affected: yes.
Comment: In silico analysis supports that this missense variant has a deleterious effect on protein structure/function; Has not been previously published as pathogenic or benign to our knowledge

Labcorp Genetics (formerly Invitae), Labcorp
Classification: Uncertain significance for Cranioectodermal dysplasia 1. Last evaluated: 2022-03-11. Review status: criteria provided, single submitter. Criteria: Invitae Variant Classification Sherloc (09022015). Collection method: clinical testing. Allele origin: germline.
Comment: This sequence change replaces arginine, which is basic and polar, with tryptophan, which is neutral and slightly polar, at codon 638 of the IFT122 protein (p.Arg638Trp). This variant is present in population databases (rs774723842, gnomAD 0.003%). This variant has not been reported in the literature in individuals affected with IFT122-related conditions. Algorithms developed to predict the effect of missense changes on protein structure and function are either unavailable or do not agree on the potential impact of this missense change (SIFT: "Deleterious"; PolyPhen-2: "Possibly Damaging"; Align-GVGD: "Class C0"). In summary, the available evidence is currently insufficient to determine the role of this variant in disease. Therefore, it has been classified as a Variant of Uncertain Significance.

Fulgent Genetics
Classification: Uncertain significance for Cranioectodermal dysplasia 1. Last evaluated: 2021-11-22. Review status: criteria provided, single submitter. Criteria: ACMG Guidelines, 2015. Collection method: clinical testing. Allele origin: unknown.

NM_052989.3(IFT122):c.1759C>T (p.Arg587Trp)

Gene: IFT122 (intraflagellar transport 122; plus strand). Cytogenetic location: 3q21.3.
Variant type: single nucleotide variant.
Coding change: c.1759C>T on transcript NM_052989.3 (MANE Select); coding-DNA position 1759, C replaced by T.
Protein change: p.Arg587Trp; replaces arginine 587 with tryptophan.
Molecular consequence: missense variant.
Genome position (GRCh38, 1-based): chr3:129,483,590, C>T. VCF-style: chr3-129483590-C-T. GRCh37 (hg19) VCF-style: chr3-129202433-C-T.
Other names: c.1735C>T, p.Arg579Trp (NM_001280541.2); c.1309C>T, p.Arg437Trp (NM_001280545.2); c.1132C>T, p.Arg378Trp (NM_001280546.2); c.1582C>T, p.Arg528Trp (NM_018262.4); c.1912C>T, p.Arg638Trp (NM_052985.4); c.1426C>T, p.Arg476Trp (NM_052990.3); c.1912C>T (NM_052985.3); short protein forms R528W, R587W, R378W, R437W, R579W, R476W, R638W.
Identifiers: ClinVar variation 1438171 (VCV001438171.6), dbSNP rs774723842, ClinGen allele CA2606282.
Genomic context (GRCh38, chr3:129,483,590, plus strand): 5'-ATGCTCTGCTTCTCGGGAGGAGGCTACCTCAACATCAAAGCCAGCACCTTCCCTGTGCAC[C>T]GGCAGAAGCTGCAGGGCTTTGTGGTCGGCTACAATGGCTCCAAGATCTTCTGCCTCCATG-3'
Protein context (NP_443715.1, residues 577-597): NIKASTFPVH[Arg587Trp]QKLQGFVVGY